The following is an entry in ClinVar:

NM_004380.3(CREBBP):c.3520G>T (p.Val1174Phe)

Gene: CREBBP (CREB binding lysine acetyltransferase; minus strand). Cytogenetic location: 16p13.3.
Variant type: single nucleotide variant.
Coding change: c.3520G>T on transcript NM_004380.3 (MANE Select); coding-DNA position 3520, G replaced by T.
Protein change: p.Val1174Phe; replaces valine 1174 with phenylalanine.
Molecular consequence: missense variant.
Genome position (GRCh38, 1-based): chr16:3,757,898, C>A on the plus strand (G>T on the coding strand, the complement: CREBBP is on the minus strand). VCF-style: chr16-3757898-C-A. GRCh37 (hg19) VCF-style: chr16-3807899-C-A.
Other names: c.3406G>T, p.Val1136Phe (NM_001079846.1); short protein forms V1136F, V1174F.
Identifiers: ClinVar variation 4819145 (VCV004819145.1).

ClinVar aggregate classification (germline): Uncertain significance (1 of 4 stars; one submission).

Conditions:
Rubinstein-Taybi syndrome due to CREBBP mutations (RSTS1). Also called: RUBINSTEIN SYNDROME; CREBBP-Related Rubinstein-Taybi Syndrome; RUBINSTEIN-TAYBI SYNDROME 1, INCOMPLETE; BROAD THUMB-HALLUX SYNDROME; BROAD THUMBS AND GREAT TOES, CHARACTERISTIC FACIES, AND IMPAIRED INTELLECTUAL DEVELOPMENT; Rubinstein-Taybi syndrome 1. Identifiers: Orphanet 353277, Orphanet 783, MedGen C4551859, MONDO:0008393, OMIM 180849.

Submission:

Institute of Human Genetics, University of Leipzig Medical Center
Classification: Uncertain significance for Rubinstein-Taybi syndrome due to CREBBP mutations. Last evaluated: 2026-03-04. Review status: criteria provided, single submitter. Criteria: ACMG Guidelines, 2015. Collection method: clinical testing. Allele origin: unknown. Inheritance: Autosomal dominant inheritance. Affected: yes.
Comment: Criteria applied: PM2,PM1_SUP,PP2